The following is an entry in ClinVar:

NM_022124.6(CDH23):c.9261C>G (p.Asn3087Lys)

Gene: CDH23 (cadherin related 23; plus strand). Cytogenetic location: 10q22.1.
Variant type: single nucleotide variant.
Coding change: c.9261C>G on transcript NM_022124.6 (MANE Select); coding-DNA position 9261, C replaced by G.
Protein change: p.Asn3087Lys; replaces asparagine 3087 with lysine.
Molecular consequence: missense variant.
Genome position (GRCh38, 1-based): chr10:71,811,573, C>G. VCF-style: chr10-71811573-C-G. GRCh37 (hg19) VCF-style: chr10-73571330-C-G.
Other names: c.2541C>G, p.Asn847Lys (NM_001171933.1, NM_001171934.1); short protein forms N847K, N3087K.
Identifiers: ClinVar variation 2126980 (VCV002126980.4), dbSNP rs886709188, ClinGen allele CA209442671.

ClinVar aggregate classification (germline): Uncertain significance (1 of 4 stars; one submission).

Submission:

Labcorp Genetics (formerly Invitae), Labcorp
Classification: Uncertain significance. Last evaluated: 2024-10-24. Review status: criteria provided, single submitter. Criteria: Invitae Variant Classification Sherloc (09022015). Collection method: clinical testing. Allele origin: germline.
Comment: This sequence change replaces asparagine, which is neutral and polar, with lysine, which is basic and polar, at codon 3087 of the CDH23 protein (p.Asn3087Lys). This variant is not present in population databases (gnomAD no frequency). This variant has not been reported in the literature in individuals affected with CDH23-related conditions. ClinVar contains an entry for this variant (Variation ID: 2126980). Invitae Evidence Modeling of protein sequence and biophysical properties (such as structural, functional, and spatial information, amino acid conservation, physicochemical variation, residue mobility, and thermodynamic stability) has been performed for this missense variant. However, the output from this modeling did not meet the statistical confidence thresholds required to predict the impact of this variant on CDH23 protein function. In summary, the available evidence is currently insufficient to determine the role of this variant in disease. Therefore, it has been classified as a Variant of Uncertain Significance.